The following is an entry in ClinVar:

ClinVar aggregate classification (germline): Uncertain significance. Review status: criteria provided, multiple submitters, no conflicts (2 of 4 stars). 2 submissions from 2 submitters: Uncertain significance (2). Last evaluated 2025-05-26.

Conditions:
Inborn genetic diseases. Identifiers: MedGen C0950123, MeSH D030342.

Allele frequency attached by ClinVar (database versions not stated): gnomAD exomes 0.00006; TOPMed 0.00006; 1000 Genomes Project 30x 0.00016.
gnomAD v4.1: 18 of 1,524,212 alleles (0.0012%); highest among the groups gnomAD compares: East Asian, 0.025%; no homozygotes.

Submissions (2):

Ambry Genetics
Classification: Uncertain significance for Inborn genetic diseases. Last evaluated: 2025-05-26. Review status: criteria provided, single submitter. Criteria: Ambry Variant Classification Scheme 2023. Collection method: clinical testing. Allele origin: germline.

Labcorp Genetics (formerly Invitae), Labcorp
Classification: Uncertain significance. Last evaluated: 2022-06-20. Review status: criteria provided, single submitter. Criteria: Invitae Variant Classification Sherloc (09022015). Collection method: clinical testing. Allele origin: germline.
Comment: In summary, the available evidence is currently insufficient to determine the role of this variant in disease. Therefore, it has been classified as a Variant of Uncertain Significance. Algorithms developed to predict the effect of missense changes on protein structure and function are either unavailable or do not agree on the potential impact of this missense change (SIFT: "Tolerated"; PolyPhen-2: "Possibly Damaging"; Align-GVGD: "Class C0"). This variant has not been reported in the literature in individuals affected with OBSL1-related conditions. This variant is present in population databases (no rsID available, gnomAD 0.06%). This sequence change replaces proline, which is neutral and non-polar, with threonine, which is neutral and polar, at codon 1672 of the OBSL1 protein (p.Pro1672Thr).

NM_015311.3(OBSL1):c.5014C>A (p.Pro1672Thr)

Gene: OBSL1 (obscurin like cytoskeletal adaptor 1; minus strand). Cytogenetic location: 2q35.
Variant type: single nucleotide variant.
Coding change: c.5014C>A on transcript NM_015311.3 (MANE Select); coding-DNA position 5014, C replaced by A.
Protein change: p.Pro1672Thr; replaces proline 1672 with threonine.
Molecular consequence: missense variant.
Genome position (GRCh38, 1-based): chr2:219,553,000, G>T on the plus strand (C>A on the coding strand, the complement: OBSL1 is on the minus strand). VCF-style: chr2-219553000-G-T. GRCh37 (hg19) VCF-style: chr2-220417722-G-T.
Other names: c.5014C>A (NM_015311.2); short protein forms P1672T.
Identifiers: ClinVar variation 1500299 (VCV001500299.9), dbSNP rs965904763, ClinGen allele CA66022693.